The following is an entry in ClinVar:

ClinVar aggregate classification (germline): Uncertain significance (1 of 4 stars; one submission).

Conditions:
Familial melanoma. Also called: Hereditary melanoma; Hereditary cutaneous melanoma. Identifiers: Orphanet 618, MedGen C1512419, MONDO:0018961.

Submission:

Labcorp Genetics (formerly Invitae), Labcorp
Classification: Uncertain significance for Familial melanoma. Last evaluated: 2025-06-08. Review status: criteria provided, single submitter. Criteria: Invitae Variant Classification Sherloc (09022015). Collection method: clinical testing. Allele origin: germline.
Comment: This sequence change replaces threonine, which is neutral and polar, with arginine, which is basic and polar, at codon 177 of the CDK4 protein (p.Thr177Arg). This variant is not present in population databases (gnomAD no frequency). This variant has not been reported in the literature in individuals affected with CDK4-related conditions. Invitae Evidence Modeling of protein sequence and biophysical properties (such as structural, functional, and spatial information, amino acid conservation, physicochemical variation, residue mobility, and thermodynamic stability) indicates that this missense variant is expected to disrupt CDK4 protein function with a positive predictive value of 95%. In summary, the available evidence is currently insufficient to determine the role of this variant in disease. Therefore, it has been classified as a Variant of Uncertain Significance.

NM_000075.4(CDK4):c.530C>G (p.Thr177Arg)

Gene: CDK4 (cyclin dependent kinase 4; minus strand). Cytogenetic location: 12q14.1.
Variant type: single nucleotide variant.
Coding change: c.530C>G on transcript NM_000075.4 (MANE Select); coding-DNA position 530, C replaced by G.
Protein change: p.Thr177Arg; replaces threonine 177 with arginine.
Molecular consequence: missense variant.
Genome position (GRCh38, 1-based): chr12:57,750,758, G>C on the plus strand (C>G on the coding strand, the complement: CDK4 is on the minus strand). VCF-style: chr12-57750758-G-C. GRCh37 (hg19) VCF-style: chr12-58144541-G-C.
Other names: short protein forms T177R.
Identifiers: ClinVar variation 4803058 (VCV004803058.1).